The following is an entry in ClinVar:

ClinVar aggregate classification (germline): Uncertain significance (1 of 4 stars; one submission).

Conditions:
Trichorhinophalangeal syndrome, type III (TRPS3). Also called: SUGIO-KAJII SYNDROME. Identifiers: Orphanet 77258, MedGen C1860823, OMIM 190351, MONDO:0008597.
Trichorhinophalangeal dysplasia type I (TRPS1). Also called: TRICHORHINOPHALANGEAL SYNDROME, TYPE I; TRPS I. Identifiers: Orphanet 77258, MedGen C0432233, MONDO:0008596, OMIM 190350.

Submission:

Labcorp Genetics (formerly Invitae), Labcorp
Classification: Uncertain significance for Trichorhinophalangeal syndrome, type III; Trichorhinophalangeal dysplasia type I. Last evaluated: 2026-02-04. Review status: criteria provided, single submitter. Criteria: Invitae Variant Classification Sherloc (09022015). Collection method: clinical testing. Allele origin: germline.
Comment: This sequence change replaces phenylalanine, which is neutral and non-polar, with leucine, which is neutral and non-polar, at codon 1256 of the TRPS1 protein (p.Phe1256Leu). This variant is not present in population databases (gnomAD no frequency). This variant has not been reported in the literature in individuals affected with TRPS1-related conditions. Invitae Evidence Modeling of protein sequence and biophysical properties (such as structural, functional, and spatial information, amino acid conservation, physicochemical variation, residue mobility, and thermodynamic stability) indicates that this missense variant is expected to disrupt TRPS1 protein function with a positive predictive value of 80%. In summary, the available evidence is currently insufficient to determine the role of this variant in disease. Therefore, it has been classified as a Variant of Uncertain Significance.

NM_014112.5(TRPS1):c.3768C>G (p.Phe1256Leu)

Gene: TRPS1 (transcriptional repressor GATA binding 1; minus strand). Cytogenetic location: 8q23.3.
Variant type: single nucleotide variant.
Coding change: c.3768C>G on transcript NM_014112.5 (MANE Select); coding-DNA position 3768, C replaced by G.
Protein change: p.Phe1256Leu; replaces phenylalanine 1256 with leucine.
Molecular consequence: missense variant.
Genome position (GRCh38, 1-based): chr8:115,414,140, G>C on the plus strand (C>G on the coding strand, the complement: TRPS1 is on the minus strand). VCF-style: chr8-115414140-G-C. GRCh37 (hg19) VCF-style: chr8-116426368-G-C.
Other names: c.3741C>G, p.Phe1247Leu (NM_001282902.3); c.3729C>G, p.Phe1243Leu (NM_001330599.2); c.3747C>G, p.Phe1249Leu (NM_001282903.3); short protein forms F1256L, F1243L, F1249L, F1247L.
Identifiers: ClinVar variation 4783304 (VCV004783304.1).